The following is an entry in ClinVar:

ClinVar aggregate classification (germline): Pathogenic (1 of 4 stars; one submission).

Conditions:
Inborn genetic diseases. Identifiers: MedGen C0950123, MeSH D030342.

Submission:

Ambry Genetics
Classification: Pathogenic for Inborn genetic diseases. Last evaluated: 2025-03-19. Review status: criteria provided, single submitter. Criteria: Ambry Variant Classification Scheme 2023. Collection method: clinical testing. Allele origin: germline.
Comment: The c.220A>T (p.K74*) alteration, located in exon 6 (coding exon 3) of the UNC79 gene, consists of an A to T substitution at nucleotide position 220. This changes the amino acid from a lysine (K) to a stop codon at amino acid position 74. This alteration is expected to result in loss of function by premature protein truncation or nonsense-mediated mRNA decay. This variant was not reported in population-based cohorts in the Genome Aggregation Database (gnomAD). Based on the available evidence, this alteration is classified as pathogenic.

NM_001395159.1(UNC79):c.751A>T (p.Lys251Ter)

Gene: UNC79 (unc-79 subunit of NALCN channel complex; plus strand). Cytogenetic location: 14q32.12.
Variant type: single nucleotide variant.
Coding change: c.751A>T on transcript NM_001395159.1 (MANE Select); coding-DNA position 751, A replaced by T.
Protein change: p.Lys251Ter; replaces lysine 251 with a stop codon.
Molecular consequence: nonsense.
Genome position (GRCh38, 1-based): chr14:93,496,449, A>T. VCF-style: chr14-93496449-A-T. GRCh37 (hg19) VCF-style: chr14-93962795-A-T.
Other names: c.751A>T, p.Lys251Ter (NM_001346218.2); c.220A>T, p.Lys74Ter (NM_020818.5); short protein forms K251*, K74*.
Identifiers: ClinVar variation 3977809 (VCV003977809.1).